The following is an entry in ClinVar:

ClinVar aggregate classification (germline): Uncertain significance (1 of 4 stars; one submission).

Submission:

Labcorp Genetics (formerly Invitae), Labcorp
Classification: Uncertain significance. Last evaluated: 2025-10-21. Review status: criteria provided, single submitter. Criteria: Invitae Variant Classification Sherloc (09022015). Collection method: clinical testing. Allele origin: germline.
Comment: This sequence change replaces phenylalanine, which is neutral and non-polar, with tyrosine, which is neutral and polar, at codon 285 of the NFE2L2 protein (p.Phe285Tyr). This variant is not present in population databases (gnomAD no frequency). This variant has not been reported in the literature in individuals affected with NFE2L2-related conditions. Invitae Evidence Modeling of protein sequence and biophysical properties (such as structural, functional, and spatial information, amino acid conservation, physicochemical variation, residue mobility, and thermodynamic stability) indicates that this missense variant is not expected to disrupt NFE2L2 protein function with a negative predictive value of 80%. In summary, the available evidence is currently insufficient to determine the role of this variant in disease. Therefore, it has been classified as a Variant of Uncertain Significance.

NM_006164.5(NFE2L2):c.854T>A (p.Phe285Tyr)

Gene: NFE2L2 (NFE2 like bZIP transcription factor 2; minus strand). Cytogenetic location: 2q31.2.
Variant type: single nucleotide variant.
Coding change: c.854T>A on transcript NM_006164.5 (MANE Select); coding-DNA position 854, T replaced by A.
Protein change: p.Phe285Tyr; replaces phenylalanine 285 with tyrosine.
Molecular consequence: missense variant.
Genome position (GRCh38, 1-based): chr2:177,231,749, A>T on the plus strand (T>A on the coding strand, the complement: NFE2L2 is on the minus strand). VCF-style: chr2-177231749-A-T. GRCh37 (hg19) VCF-style: chr2-178096477-A-T.
Other names: c.806T>A, p.Phe269Tyr (NM_001145412.3, NM_001313900.1, NM_001313901.1); c.785T>A, p.Phe262Tyr (NM_001145413.3); c.764T>A, p.Phe255Tyr (NM_001313902.2); c.635T>A, p.Phe212Tyr (NM_001313903.2); c.554T>A, p.Phe185Tyr (NM_001313904.1); short protein forms F185Y, F212Y, F255Y, F262Y, F269Y, F285Y.
Identifiers: ClinVar variation 4812243 (VCV004812243.1).